The following is an entry in ClinVar:

ClinVar aggregate classification (germline): Uncertain significance (1 of 4 stars; one submission).

Submission:

Labcorp Genetics (formerly Invitae), Labcorp
Classification: Uncertain significance. Last evaluated: 2024-02-01. Review status: criteria provided, single submitter. Criteria: Invitae Variant Classification Sherloc (09022015). Collection method: clinical testing. Allele origin: germline.
Comment: This sequence change replaces arginine, which is basic and polar, with glutamine, which is neutral and polar, at codon 69 of the AUTS2 protein (p.Arg69Gln). This variant is not present in population databases (gnomAD no frequency). This variant has not been reported in the literature in individuals affected with AUTS2-related conditions. An algorithm developed to predict the effect of missense changes on protein structure and function (PolyPhen-2) suggests that this variant is likely to be disruptive. In summary, the available evidence is currently insufficient to determine the role of this variant in disease. Therefore, it has been classified as a Variant of Uncertain Significance.

NM_015570.4(AUTS2):c.206G>A (p.Arg69Gln)

Gene: AUTS2 (activator of transcription and developmental regulator AUTS2; plus strand). Cytogenetic location: 7q11.22.
Variant type: single nucleotide variant.
Coding change: c.206G>A on transcript NM_015570.4 (MANE Select); coding-DNA position 206, G replaced by A.
Protein change: p.Arg69Gln; replaces arginine 69 with glutamine.
Molecular consequence: missense variant.
Genome position (GRCh38, 1-based): chr7:69,599,859, G>A. VCF-style: chr7-69599859-G-A. GRCh37 (hg19) VCF-style: chr7-69064845-G-A.
Other names: c.206G>A, p.Arg69Gln (NM_001127231.3, NM_001127232.3); short protein forms R69Q.
Identifiers: ClinVar variation 3708155 (VCV003708155.2).
Genomic context (GRCh38, chr7:69,599,859, plus strand): 5'-CCTCGTCGTCGGGCTCCGACAAGGAAGACAATGGGAAGCCCCCGTCCTCCGCCCCGTCCC[G>A]GCCCAGACCCCCGCGGAGGAAGCGGAGAGAGTCCACCTCGGCAGAAGAGGACATCATTGA-3'
Protein context (NP_056385.1, residues 59-79): NGKPPSSAPS[Arg69Gln]PRPPRRKRRE